The following is an entry in ClinVar:

ClinVar aggregate classification (germline): Likely benign. Review status: criteria provided, single submitter (1 of 4 stars). 2 submissions from 2 submitters: Likely benign (1). 1 of the submissions does not count toward it. Last evaluated 2026-01-20.

Conditions:
BCS1L-related disorder. Also called: BCS1L-related disorders; BCS1L-related condition. Identifiers: MedGen CN239240.

Allele frequency attached by ClinVar (database versions not stated): gnomAD exomes 0.00001 and 0.00007; ExAC 0.00004; gnomAD 0.00007 and 0.00008; TOPMed 0.00011.
gnomAD v4.1: 49 of 1,613,894 alleles (0.003%); highest among the groups gnomAD compares: East Asian, 0.029%; no homozygotes.

Submissions (2):

Labcorp Genetics (formerly Invitae), Labcorp
Classification: Likely benign. Last evaluated: 2026-01-20. Review status: criteria provided, single submitter. Criteria: Invitae Variant Classification Sherloc (09022015). Collection method: clinical testing. Allele origin: germline.

PreventionGenetics, part of Exact Sciences
Classification: Likely benign for BCS1L-related condition. Last evaluated: 2023-04-28. Review status: no assertion criteria provided. Collection method: clinical testing. Allele origin: germline. Not counted in ClinVar's aggregate classification.
Comment: This variant is classified as likely benign based on ACMG/AMP sequence variant interpretation guidelines (Richards et al. 2015 PMID: 25741868, with internal and published modifications).

NM_001079866.2(BCS1L):c.1007+5G>A

Gene: BCS1L (BCS1 ubiquinol-cytochrome c reductase complex chaperone; plus strand). Cytogenetic location: 2q35.
Variant type: single nucleotide variant.
Coding change: c.1007+5G>A on transcript NM_001079866.2 (MANE Select); 5 bases into the intron after coding-DNA position 1007, G replaced by A.
Molecular consequence: intron variant.
Genome position (GRCh38, 1-based): chr2:218,663,005, G>A. VCF-style: chr2-218663005-G-A. GRCh37 (hg19) VCF-style: chr2-219527728-G-A.
Other names: c.1007+5G>A (NM_001374085.1, NM_001371446.1, NM_001371450.1 and 11 more transcripts); c.506+5G>A (NM_001374086.1, NM_001371454.1, NM_001371453.1 and 3 more transcripts); c.647+5G>A (NM_001371451.1, NM_001318836.2).
Identifiers: ClinVar variation 1120316 (VCV001120316.11), dbSNP rs373812068, ClinGen allele CA2109811.